The following is an entry in ClinVar:

ClinVar aggregate classification (germline): Uncertain significance. Review status: criteria provided, multiple submitters, no conflicts (2 of 4 stars). 2 submissions from 2 submitters: Uncertain significance (2). Last evaluated 2024-07-23.

Conditions:
Hajdu-Cheney syndrome (HJCYS). Also called: Acroosteolysis dominant type; SERPENTINE FIBULA-POLYCYSTIC KIDNEY SYNDROME; ACROOSTEOLYSIS WITH OSTEOPOROSIS AND CHANGES IN SKULL AND MANDIBLE. Identifiers: Orphanet 955, MedGen C0917715, MONDO:0007057, OMIM 102500.
Inborn genetic diseases. Identifiers: MedGen C0950123, MeSH D030342.

Allele frequency attached by ClinVar (database versions not stated): ExAC 0.00001; gnomAD 0.00001; TOPMed 0.00001.
gnomAD v4.1: 17 of 1,613,990 alleles (0.0011%); highest among the groups gnomAD compares: Non-Finnish European, 0.00025%; no homozygotes.

Submissions (2):

Labcorp Genetics (formerly Invitae), Labcorp
Classification: Uncertain significance for Hajdu-Cheney syndrome. Last evaluated: 2024-07-23. Review status: criteria provided, single submitter. Criteria: Invitae Variant Classification Sherloc (09022015). Collection method: clinical testing. Allele origin: germline.
Comment: This sequence change replaces leucine, which is neutral and non-polar, with glutamine, which is neutral and polar, at codon 1044 of the NOTCH2 protein (p.Leu1044Gln). This variant is present in population databases (rs782733443, gnomAD 0.05%). This variant has not been reported in the literature in individuals affected with NOTCH2-related conditions. ClinVar contains an entry for this variant (Variation ID: 2261574). Advanced modeling of protein sequence and biophysical properties (such as structural, functional, and spatial information, amino acid conservation, physicochemical variation, residue mobility, and thermodynamic stability) performed at Invitae indicates that this missense variant is not expected to disrupt NOTCH2 protein function with a negative predictive value of 80%. In summary, the available evidence is currently insufficient to determine the role of this variant in disease. Therefore, it has been classified as a Variant of Uncertain Significance.

Ambry Genetics
Classification: Uncertain significance for Inborn genetic diseases. Last evaluated: 2021-11-15. Review status: criteria provided, single submitter. Criteria: Ambry Variant Classification Scheme 2023. Collection method: clinical testing. Allele origin: germline.

NM_024408.4(NOTCH2):c.3131T>A (p.Leu1044Gln)

Gene: NOTCH2 (notch receptor 2; minus strand). Cytogenetic location: 1p12.
Variant type: single nucleotide variant.
Coding change: c.3131T>A on transcript NM_024408.4 (MANE Select); coding-DNA position 3131, T replaced by A.
Protein change: p.Leu1044Gln; replaces leucine 1044 with glutamine.
Molecular consequence: missense variant.
Genome position (GRCh38, 1-based): chr1:119,940,607, A>T on the plus strand (T>A on the coding strand, the complement: NOTCH2 is on the minus strand). VCF-style: chr1-119940607-A-T. GRCh37 (hg19) VCF-style: chr1-120483230-A-T.
Other names: c.3131T>A, p.Leu1044Gln (NM_001200001.2); short protein forms L1044Q.
Identifiers: ClinVar variation 2261574 (VCV002261574.4), dbSNP rs782733443, ClinGen allele CA1040138.